The following is an entry in ClinVar:

NM_000383.4(AIRE):c.457A>G (p.Ser153Gly)

Gene: AIRE (autoimmune regulator; plus strand). Cytogenetic location: 21q22.3.
Variant type: single nucleotide variant.
Coding change: c.457A>G on transcript NM_000383.4 (MANE Select); coding-DNA position 457, A replaced by G.
Protein change: p.Ser153Gly; replaces serine 153 with glycine.
Molecular consequence: missense variant.
Genome position (GRCh38, 1-based): chr21:44,287,127, A>G. VCF-style: chr21-44287127-A-G. GRCh37 (hg19) VCF-style: chr21-45707010-A-G.
Other names: c.457A>G (NM_000383.2, NM_000383.3); short protein forms S153G.
Identifiers: ClinVar variation 989632 (VCV000989632.12), dbSNP rs200377867, ClinGen allele CA10051562.

ClinVar aggregate classification (germline): Uncertain significance. Review status: criteria provided, multiple submitters, no conflicts (2 of 4 stars). 6 submissions from 6 submitters: Uncertain significance (4). 2 of the submissions do not count toward it. Last evaluated 2025-08-11.

Conditions:
AIRE-related disorder. Also called: AIRE-related condition.
Inborn genetic diseases. Identifiers: MedGen C0950123, MeSH D030342.
Polyglandular autoimmune syndrome, type 1 (APS1). Also called: Autoimmune polyendocrinopathy syndrome , type I, with or without reversible metaphyseal dysplasia; PGA I; HYPOADRENOCORTICISM WITH HYPOPARATHYROIDISM AND SUPERFICIAL MONILIASIS; Autoimmune polyendocrine syndrome type 1; Autoimmune polyendocrinopathy syndrome, type I; Whitaker syndrome. Identifiers: Orphanet 3453, MedGen C0085859, MONDO:0009411, OMIM 240300.

Allele frequency attached by ClinVar (database versions not stated): gnomAD exomes 0.00003 and 0.00007; ExAC 0.00007; gnomAD 0.00030 and 0.00032; ESP Exome Variant Server 0.00031; TOPMed 0.00035.

Submissions (6):

Ambry Genetics
Classification: Uncertain significance for Inborn genetic diseases. Last evaluated: 2025-08-11. Review status: criteria provided, single submitter. Criteria: Ambry Variant Classification Scheme 2023. Collection method: clinical testing. Allele origin: germline.

Labcorp Genetics (formerly Invitae), Labcorp
Classification: Uncertain significance for Polyglandular autoimmune syndrome, type 1. Last evaluated: 2025-01-15. Review status: criteria provided, single submitter. Criteria: Invitae Variant Classification Sherloc (09022015). Collection method: clinical testing. Allele origin: germline.
Comment: This sequence change replaces serine, which is neutral and polar, with glycine, which is neutral and non-polar, at codon 153 of the AIRE protein (p.Ser153Gly). This variant is present in population databases (rs200377867, gnomAD 0.1%). This variant has not been reported in the literature in individuals affected with AIRE-related conditions. ClinVar contains an entry for this variant (Variation ID: 989632). Invitae Evidence Modeling of protein sequence and biophysical properties (such as structural, functional, and spatial information, amino acid conservation, physicochemical variation, residue mobility, and thermodynamic stability) has been performed for this missense variant. However, the output from this modeling did not meet the statistical confidence thresholds required to predict the impact of this variant on AIRE protein function. In summary, the available evidence is currently insufficient to determine the role of this variant in disease. Therefore, it has been classified as a Variant of Uncertain Significance.

Blueprint Genetics
Classification: Uncertain significance. Last evaluated: 2023-12-29. Review status: criteria provided, single submitter. Criteria: ACMG Guidelines, 2015. Collection method: clinical testing. Allele origin: germline.

Genetic Services Laboratory, University of Chicago
Classification: Uncertain significance. Last evaluated: 2019-05-08. Review status: criteria provided, single submitter. Criteria: ACMG Guidelines, 2015. Collection method: clinical testing. Allele origin: germline. Affected: no.

PreventionGenetics, part of Exact Sciences
Classification: Uncertain significance for AIRE-related condition. Last evaluated: 2024-04-12. Review status: no assertion criteria provided. Collection method: clinical testing. Allele origin: germline. Not counted in ClinVar's aggregate classification.
Comment: The AIRE c.457A>G variant is predicted to result in the amino acid substitution p.Ser153Gly. To our knowledge, this variant has not been reported in the literature. This variant is reported in 0.11% of alleles in individuals of African descent in gnomAD. At this time, the clinical significance of this variant is uncertain due to the absence of conclusive functional and genetic evidence.

Natera, Inc.
Classification: Uncertain significance for Polyglandular autoimmune syndrome type 1. Last evaluated: 2020-04-20. Review status: no assertion criteria provided. Collection method: clinical testing. Allele origin: germline. Not counted in ClinVar's aggregate classification.